The following is an entry in ClinVar:

ClinVar aggregate classification (germline): Uncertain significance (1 of 4 stars; one submission).

Conditions:
Gastrointestinal stromal tumor. Also called: Gastrointestinal stroma tumor; Gastrointestinal stromal tumor, somatic. Identifiers: Orphanet 44890, MedGen C0238198, MeSH D046152, MONDO:0011719, OMIM 606764, HP:0100723.

Submission:

Labcorp Genetics (formerly Invitae), Labcorp
Classification: Uncertain significance for Gastrointestinal stromal tumor. Last evaluated: 2022-06-25. Review status: criteria provided, single submitter. Criteria: Invitae Variant Classification Sherloc (09022015). Collection method: clinical testing. Allele origin: germline.
Comment: In summary, the available evidence is currently insufficient to determine the role of this variant in disease. Therefore, it has been classified as a Variant of Uncertain Significance. Algorithms developed to predict the effect of missense changes on protein structure and function (SIFT, PolyPhen-2, Align-GVGD) all suggest that this variant is likely to be tolerated. This variant has not been reported in the literature in individuals affected with KIT-related conditions. This variant is not present in population databases (gnomAD no frequency). This sequence change replaces asparagine, which is neutral and polar, with serine, which is neutral and polar, at codon 91 of the KIT protein (p.Asn91Ser).

NM_000222.3(KIT):c.272A>G (p.Asn91Ser)

Gene: KIT (KIT proto-oncogene, receptor tyrosine kinase; plus strand). Cytogenetic location: 4q12.
Variant type: single nucleotide variant.
Coding change: c.272A>G on transcript NM_000222.3 (MANE Select); coding-DNA position 272, A replaced by G.
Protein change: p.Asn91Ser; replaces asparagine 91 with serine.
Molecular consequence: missense variant.
Genome position (GRCh38, 1-based): chr4:54,695,716, A>G. VCF-style: chr4-54695716-A-G. GRCh37 (hg19) VCF-style: chr4-55561882-A-G.
Other names: c.272A>G, p.Asn91Ser (NM_001385285.1, NM_001385286.1, NM_001385288.1 and 4 more transcripts); short protein forms N91S.
Identifiers: ClinVar variation 2010448 (VCV002010448.4), dbSNP rs2109662501, ClinGen allele CA356897218.